The following is an entry in ClinVar:

ClinVar aggregate classification (germline): Conflicting classifications of pathogenicity. Review status: criteria provided, conflicting classifications (1 of 4 stars). 7 submissions from 7 submitters: Uncertain significance (5); Benign (1); Likely benign (1). Last evaluated 2025-11-17.

Conditions:
Classic or attenuated familial adenomatous polyposis. Identifiers: MedGen CN372698, MONDO:0021057.
Hereditary cancer-predisposing syndrome. Also called: Hereditary Cancer Syndrome; Neoplastic Syndromes, Hereditary; Hereditary neoplastic syndrome; Tumor predisposition. Identifiers: Orphanet 140162, MedGen C0027672, MeSH D009386, MONDO:0015356.
Familial adenomatous polyposis 1 (FAP1). Also called: FAMILIAL ADENOMATOUS POLYPOSIS 1, ATTENUATED; POLYPOSIS, ADENOMATOUS INTESTINAL. Identifiers: MedGen C2713442, MONDO:0021056, OMIM 175100. Disease mechanism: loss of function.

Allele frequency attached by ClinVar (database versions not stated): gnomAD exomes below 0.00001; gnomAD 0.00001; TOPMed 0.00002; ESP Exome Variant Server 0.00008.
gnomAD v4.1: 3 of 1,613,750 alleles (0.00019%); highest among the groups gnomAD compares: African/African-American, 0.0027%; no homozygotes.

Submissions (7):

Labcorp Genetics (formerly Invitae), Labcorp
Classification: Benign for Familial adenomatous polyposis 1. Last evaluated: 2025-11-17. Review status: criteria provided, single submitter. Criteria: Invitae Variant Classification Sherloc (09022015). Collection method: clinical testing. Allele origin: germline.

Quest Diagnostics Nichols Institute San Juan Capistrano
Classification: Uncertain significance. Last evaluated: 2025-08-19. Review status: criteria provided, single submitter. Criteria: Quest Diagnostics criteria. Collection method: clinical testing. Allele origin: unknown.
Comment: The APC c.6249A>G (p.Ile2083Met) variant has not been reported in individuals with APC-related conditions in the published literature. The frequency of this variant in the general population (Genome Aggregation Database) is uninformative in the assessment of its pathogenicity. Analysis of this variant using bioinformatics tools for the prediction of the effect of amino acid changes on protein structure and function yielded predictions that this variant is benign. Based on the available information, we are unable to determine the clinical significance of this variant.

All of Us Research Program, National Institutes of Health
Classification: Uncertain significance for Classic or attenuated familial adenomatous polyposis. Last evaluated: 2024-05-14. Review status: criteria provided, single submitter. Criteria: ACMG Guidelines, 2015. Collection method: clinical testing. Allele origin: germline. Inheritance: Autosomal dominant inheritance. Observed: 3 variant alleles, 3 heterozygotes.
Comment: This missense variant replaces isoleucine with methionine at codon 2083 of the APC protein. Computational prediction suggests that this variant may not impact protein structure and function (internally defined REVEL score threshold <= 0.5, PMID: 27666373). To our knowledge, functional studies have not been reported for this variant. This variant has not been reported in individuals affected with APC-related disorders in the literature. This variant has been identified in 1/250610 chromosomes in the general population by the Genome Aggregation Database (gnomAD). The available evidence is insufficient to determine the role of this variant in disease conclusively. Therefore, this variant is classified as a Variant of Uncertain Significance.

This study involves interpretation of variants in research participants for the purpose of population health screening. Participant phenotype was not available at the time of variant classification. Additional details can be found in publication PMID: 35346344, PMCID: PMC8962531

Color Diagnostics, LLC DBA Color Health
Classification: Uncertain significance for Hereditary cancer-predisposing syndrome. Last evaluated: 2024-03-06. Review status: criteria provided, single submitter. Criteria: ACMG Guidelines, 2015. Collection method: clinical testing. Allele origin: germline.
Comment: This missense variant replaces isoleucine with methionine at codon 2083 of the APC protein. Computational prediction suggests that this variant may not impact protein structure and function (internally defined REVEL score threshold <= 0.5, PMID: 27666373). To our knowledge, functional studies have not been reported for this variant. This variant has not been reported in individuals affected with APC-related disorders in the literature. This variant has been identified in 1/250610 chromosomes in the general population by the Genome Aggregation Database (gnomAD). The available evidence is insufficient to determine the role of this variant in disease conclusively. Therefore, this variant is classified as a Variant of Uncertain Significance.

Baylor Genetics
Classification: Uncertain significance for Familial adenomatous polyposis 1. Last evaluated: 2023-10-08. Review status: criteria provided, single submitter. Criteria: ACMG Guidelines, 2015. Collection method: clinical testing. Allele origin: unknown.

GeneDx
Classification: Uncertain significance. Last evaluated: 2022-12-12. Review status: criteria provided, single submitter. Criteria: GeneDx Variant Classification Process June 2021. Collection method: clinical testing. Allele origin: germline. Affected: yes.
Comment: Not observed at significant frequency in large population cohorts (gnomAD); In silico analysis supports that this missense variant does not alter protein structure/function; Has not been previously published as pathogenic or benign to our knowledge

Ambry Genetics
Classification: Likely benign for Hereditary cancer-predisposing syndrome. Last evaluated: 2022-04-04. Review status: criteria provided, single submitter. Criteria: Ambry Variant Classification Scheme 2023. Collection method: clinical testing. Allele origin: germline.

NM_000038.6(APC):c.6249A>G (p.Ile2083Met)

Gene: APC (APC regulator of Wnt signaling pathway; plus strand). Cytogenetic location: 5q22.2.
Variant type: single nucleotide variant.
Coding change: c.6249A>G on transcript NM_000038.6 (MANE Select); coding-DNA position 6249, A replaced by G.
Protein change: p.Ile2083Met; replaces isoleucine 2083 with methionine.
Molecular consequence: missense variant.
Genome position (GRCh38, 1-based): chr5:112,841,843, A>G. VCF-style: chr5-112841843-A-G. GRCh37 (hg19) VCF-style: chr5-112177540-A-G.
Other names: c.6279A>G, p.Ile2093Met (NM_001354897.2); c.6174A>G, p.Ile2058Met (NM_001354898.2); c.6165A>G, p.Ile2055Met (NM_001354899.2); c.6126A>G, p.Ile2042Met (NM_001354900.2); c.6072A>G, p.Ile2024Met (NM_001354901.2); c.6249A>G, p.Ile2083Met (NM_001127510.3, NM_001354895.2); c.6195A>G, p.Ile2065Met (NM_001127511.3); c.6303A>G, p.Ile2101Met (NM_001354896.2); and 5 more; short protein forms I2065M, I2083M, I1923M, I1957M, I1982M, I2024M, I2042M, I2055M.
Identifiers: ClinVar variation 142466 (VCV000142466.28), dbSNP rs374625279, ClinGen allele CA011046.
Genomic context (GRCh38, chr5:112,841,843, plus strand): 5'-TAGTCCCAGAAATATGGGTGGCATATTAGGTGAAGATCTGACACTTGATTTGAAAGATAT[A>G]CAGAGACCAGATTCAGAACATGGTCTATCCCCTGATTCAGAAAATTTTGATTGGAAAGCT-3'
Protein context (NP_000029.2, residues 2073-2093): GEDLTLDLKD[Ile2083Met]QRPDSEHGLS